The following is an entry in ClinVar:

ClinVar aggregate classification (germline): Uncertain significance. Review status: criteria provided, single submitter (1 of 4 stars). 2 submissions from 2 submitters: Uncertain significance (1). 1 of the submissions does not count toward it. Last evaluated 2025-08-12.

Conditions:
COL9A2-related disorder. Also called: COL9A2-related condition.

Allele frequency attached by ClinVar (database versions not stated): gnomAD 0.00001 and 0.00003; gnomAD exomes 0.00004 and 0.00007; TOPMed 0.00004; ExAC 0.00007.
gnomAD v4.1: 66 of 1,613,904 alleles (0.0041%); highest among the groups gnomAD compares: South Asian, 0.042%; no homozygotes.

Submissions (2):

Labcorp Genetics (formerly Invitae), Labcorp
Classification: Uncertain significance. Last evaluated: 2025-08-12. Review status: criteria provided, single submitter. Criteria: Invitae Variant Classification Sherloc (09022015). Collection method: clinical testing. Allele origin: germline.
Comment: This sequence change replaces arginine, which is basic and polar, with glutamine, which is neutral and polar, at codon 275 of the COL9A2 protein (p.Arg275Gln). This variant is present in population databases (rs752496710, gnomAD 0.04%). This variant has not been reported in the literature in individuals affected with COL9A2-related conditions. ClinVar contains an entry for this variant (Variation ID: 1450840). Invitae Evidence Modeling of protein sequence and biophysical properties (such as structural, functional, and spatial information, amino acid conservation, physicochemical variation, residue mobility, and thermodynamic stability) indicates that this missense variant is not expected to disrupt COL9A2 protein function with a negative predictive value of 95%. In summary, the available evidence is currently insufficient to determine the role of this variant in disease. Therefore, it has been classified as a Variant of Uncertain Significance.

PreventionGenetics, part of Exact Sciences
Classification: Uncertain significance for COL9A2-related condition. Last evaluated: 2024-06-28. Review status: no assertion criteria provided. Collection method: clinical testing. Allele origin: germline. Not counted in ClinVar's aggregate classification.
Comment: The COL9A2 c.824G>A variant is predicted to result in the amino acid substitution p.Arg275Gln. To our knowledge, this variant has not been reported in the literature. This variant is reported in 0.042% of alleles in individuals of South Asian descent in gnomAD. At this time, the clinical significance of this variant is uncertain due to the absence of conclusive functional and genetic evidence.

NM_001852.4(COL9A2):c.824G>A (p.Arg275Gln)

Gene: COL9A2 (collagen type IX alpha 2 chain; minus strand). Cytogenetic location: 1p34.2.
Variant type: single nucleotide variant.
Coding change: c.824G>A on transcript NM_001852.4 (MANE Select); coding-DNA position 824, G replaced by A.
Protein change: p.Arg275Gln; replaces arginine 275 with glutamine.
Molecular consequence: missense variant.
Genome position (GRCh38, 1-based): chr1:40,309,960, C>T on the plus strand (G>A on the coding strand, the complement: COL9A2 is on the minus strand). VCF-style: chr1-40309960-C-T. GRCh37 (hg19) VCF-style: chr1-40775632-C-T.
Other names: c.824G>A (NM_001852.3); short protein forms R275Q.
Identifiers: ClinVar variation 1450840 (VCV001450840.11), dbSNP rs752496710, ClinGen allele CA791727.